The following is an entry in ClinVar:

NM_002439.5(MSH3):c.289G>C (p.Val97Leu)

Gene: MSH3 (mutS homolog 3; plus strand). Cytogenetic location: 5q14.1.
Variant type: single nucleotide variant.
Coding change: c.289G>C on transcript NM_002439.5 (MANE Select); coding-DNA position 289, G replaced by C.
Protein change: p.Val97Leu; replaces valine 97 with leucine.
Molecular consequence: missense variant.
Genome position (GRCh38, 1-based): chr5:80,656,462, G>C. VCF-style: chr5-80656462-G-C. GRCh37 (hg19) VCF-style: chr5-79952281-G-C.
Other names: c.289G>C (NM_002439.3); short protein forms V97L.
Identifiers: ClinVar variation 1348189 (VCV001348189.9), dbSNP rs1749288061, ClinGen allele CA360266277.

ClinVar aggregate classification (germline): Uncertain significance. Review status: criteria provided, multiple submitters, no conflicts (2 of 4 stars). 3 submissions from 3 submitters: Uncertain significance (3). Last evaluated 2025-05-15.

Conditions:
Hereditary cancer-predisposing syndrome. Also called: Hereditary neoplastic syndrome; Tumor predisposition; Neoplastic Syndromes, Hereditary; Hereditary Cancer Syndrome. Identifiers: Orphanet 140162, MedGen C0027672, MeSH D009386, MONDO:0015356.

Allele frequency attached by ClinVar (database versions not stated): TOPMed below 0.00001; gnomAD 0.00001.
gnomAD v4.1: 1 of 1,614,070 alleles (0.000062%); highest among the groups gnomAD compares: African/African-American, 0.0013%; no homozygotes.

Submissions (3):

Ambry Genetics
Classification: Uncertain significance for Hereditary cancer-predisposing syndrome. Last evaluated: 2025-05-15. Review status: criteria provided, single submitter. Criteria: Ambry Variant Classification Scheme 2023. Collection method: clinical testing. Allele origin: germline.
Comment: The p.V97L variant (also known as c.289G>C), located in coding exon 2 of the MSH3 gene, results from a G to C substitution at nucleotide position 289. The valine at codon 97 is replaced by leucine, an amino acid with highly similar properties. This amino acid position is conserved. In addition, this alteration is predicted to be tolerated by in silico analysis. Based on the available evidence, the clinical significance of this variant remains unclear.

ARUP Laboratories, Molecular Genetics and Genomics, ARUP Laboratories
Classification: Uncertain significance. Last evaluated: 2024-02-15. Review status: criteria provided, single submitter. Criteria: ARUP Molecular Germline Variant Investigation Process 2024. Collection method: clinical testing. Allele origin: germline.
Comment: The MSH3 c.289G>C; p.Val97Leu variant (rs1749288061), to our knowledge, is not reported in the medical literature or gene specific databases. This variant is also absent from the Genome Aggregation Database (v2.1.1), indicating it is not a common polymorphism. Computational analyses are uncertain whether this variant is neutral or deleterious (REVEL: 0.269). Due to limited information, the clinical significance of this variant is uncertain at this time.

Labcorp Genetics (formerly Invitae), Labcorp
Classification: Uncertain significance. Last evaluated: 2023-07-12. Review status: criteria provided, single submitter. Criteria: Invitae Variant Classification Sherloc (09022015). Collection method: clinical testing. Allele origin: germline.
Comment: In summary, the available evidence is currently insufficient to determine the role of this variant in disease. Therefore, it has been classified as a Variant of Uncertain Significance. An algorithm developed to predict the effect of missense changes on protein structure and function (PolyPhen-2) suggests that this variant¬†is likely to be tolerated. ClinVar contains an entry for this variant (Variation ID: 1348189). This variant has not been reported in the literature in individuals affected with MSH3-related conditions. This variant is not present in population databases (gnomAD no frequency). This sequence change replaces valine, which is neutral and non-polar, with leucine, which is neutral and non-polar, at codon 97 of the MSH3 protein (p.Val97Leu).